The following is an entry in ClinVar:

NM_014582.3(OBP2A):c.33C>T (p.Gly11=)

Gene: OBP2A (odorant binding protein 2A; plus strand). Cytogenetic location: 9q34.3.
Variant type: single nucleotide variant.
Coding change: c.33C>T on transcript NM_014582.3 (MANE Select); coding-DNA position 33, C replaced by T.
Protein change: p.Gly11=; no amino-acid change (glycine 11 retained).
Molecular consequence: synonymous variant. On other transcripts: non-coding transcript variant (1).
Genome position (GRCh38, 1-based): chr9:135,546,213, C>T. VCF-style: chr9-135546213-C-T. GRCh37 (hg19) VCF-style: chr9-138438059-C-T.
Other names: c.33C>T, p.Gly11= (NM_001293189.2, NM_001293193.2).
Identifiers: ClinVar variation 3777987 (VCV003777987.7).

ClinVar aggregate classification (germline): Likely benign (1 of 4 stars; one submission).

Submission:

CeGaT Center for Human Genetics Tuebingen
Classification: Likely benign. Last evaluated: 2025-03-01. Review status: criteria provided, single submitter. Criteria: CeGaT Center For Human Genetics Tuebingen Variant Classification Criteria Version 2. Collection method: clinical testing. Allele origin: germline. Affected: yes. Observed: 1 variant allele.
Comment: OBP2A: BP4, BP7